The following is an entry in ClinVar:

ClinVar aggregate classification (germline): Uncertain significance. Review status: criteria provided, multiple submitters, no conflicts (2 of 4 stars). 5 submissions from 5 submitters: Uncertain significance (5). Last evaluated 2025-08-06.

Conditions:
Spermatogenic failure 28. Identifiers: MedGen C4748117, MONDO:0054732, OMIM 618086.
Premature ovarian failure 15. Identifiers: MedGen C4748170, MONDO:0054862, OMIM 618096.
Fanconi anemia (FA). Also called: Fanconi's anemia. Identifiers: Orphanet 84, MedGen C0015625, MeSH D005199, MONDO:0019391.
Inborn genetic diseases. Identifiers: MedGen C0950123, MeSH D030342.

Allele frequency attached by ClinVar (database versions not stated): gnomAD 0.00001; gnomAD exomes 0.00001 and 0.00004; TOPMed 0.00002; ExAC 0.00003.
gnomAD v4.1: 10 of 1,611,986 alleles (0.00062%); highest among the groups gnomAD compares: Admixed American, 0.017%; no homozygotes.

Submissions (5):

Labcorp Genetics (formerly Invitae), Labcorp
Classification: Uncertain significance for Fanconi anemia. Last evaluated: 2025-08-06. Review status: criteria provided, single submitter. Criteria: Invitae Variant Classification Sherloc (09022015). Collection method: clinical testing. Allele origin: germline.
Comment: This sequence change replaces serine, which is neutral and polar, with cysteine, which is neutral and slightly polar, at codon 271 of the FANCM protein (p.Ser271Cys). This variant is present in population databases (rs767396394, gnomAD 0.03%). This variant has not been reported in the literature in individuals affected with FANCM-related conditions. ClinVar contains an entry for this variant (Variation ID: 854341). An algorithm developed to predict the effect of missense changes on protein structure and function (PolyPhen-2) suggests that this variant is likely to be tolerated. In summary, the available evidence is currently insufficient to determine the role of this variant in disease. Therefore, it has been classified as a Variant of Uncertain Significance.

Ambry Genetics
Classification: Uncertain significance for Inborn genetic diseases. Last evaluated: 2024-12-16. Review status: criteria provided, single submitter. Criteria: Ambry Variant Classification Scheme 2023. Collection method: clinical testing. Allele origin: germline.
Comment: The p.S271C variant (also known as c.812C>G), located in coding exon 4 of the FANCM gene, results from a C to G substitution at nucleotide position 812. The serine at codon 271 is replaced by cysteine, an amino acid with dissimilar properties. This amino acid position is conserved. In addition, this alteration is predicted to be tolerated by in silico analysis. Based on the available evidence, the clinical significance of this variant remains unclear.

GeneDx
Classification: Uncertain significance. Last evaluated: 2024-03-27. Review status: criteria provided, single submitter. Criteria: GeneDx Variant Classification Process June 2021. Collection method: clinical testing. Allele origin: germline. Affected: yes.
Comment: In silico analysis supports that this missense variant has a deleterious effect on protein structure/function; Has not been previously published as pathogenic or benign to our knowledge

Fulgent Genetics
Classification: Uncertain significance for Spermatogenic failure 28; Premature ovarian failure 15. Last evaluated: 2022-02-18. Review status: criteria provided, single submitter. Criteria: ACMG Guidelines, 2015. Collection method: clinical testing. Allele origin: unknown.

Baylor Genetics
Classification: Uncertain significance for Spermatogenic failure 28. Last evaluated: 2022-01-12. Review status: criteria provided, single submitter. Criteria: ACMG Guidelines, 2015. Collection method: clinical testing. Allele origin: paternal. Affected: yes. Study: CSER-TexasKidsCanSeq.
Comment: This variant was determined to be of uncertain significance according to ACMG Guidelines, 2015 [PMID:25741868].

NM_020937.4(FANCM):c.812C>G (p.Ser271Cys)

Gene: FANCM (FA complementation group M; plus strand). Cytogenetic location: 14q21.2.
Variant type: single nucleotide variant.
Coding change: c.812C>G on transcript NM_020937.4 (MANE Select); coding-DNA position 812, C replaced by G.
Protein change: p.Ser271Cys; replaces serine 271 with cysteine.
Molecular consequence: missense variant.
Genome position (GRCh38, 1-based): chr14:45,148,889, C>G. VCF-style: chr14-45148889-C-G. GRCh37 (hg19) VCF-style: chr14-45618092-C-G.
Other names: c.734C>G, p.Ser245Cys (NM_001308133.2); c.812C>G, p.Ser271Cys (NM_001308134.2); short protein forms S245C, S271C.
Identifiers: ClinVar variation 854341 (VCV000854341.18), dbSNP rs767396394, ClinGen allele CA7168860.